The following is an entry in ClinVar:

ClinVar aggregate classification (germline): Pathogenic (1 of 4 stars; one submission).

Conditions:
Biotinidase deficiency. Also called: BTD deficiency; Late-onset biotin-responsive multiple carboxylase deficiency; Biotin deficiency. Identifiers: Orphanet 79241, MedGen C0220754, MONDO:0009665, OMIM 253260.

Submission:

Labcorp Genetics (formerly Invitae), Labcorp
Classification: Pathogenic for Biotinidase deficiency. Last evaluated: 2023-09-08. Review status: criteria provided, single submitter. Criteria: Invitae Variant Classification Sherloc (09022015). Collection method: clinical testing. Allele origin: germline.
Comment: For these reasons, this variant has been classified as Pathogenic. This variant disrupts a region of the BTD protein in which other variant(s) (p.Asp543Glu) have been determined to be pathogenic (PMID: 25174816, 25967232, 28498829). This suggests that this is a clinically significant region of the protein, and that variants that disrupt it are likely to be disease-causing. ClinVar contains an entry for this variant (Variation ID: 1903563). This variant has not been reported in the literature in individuals affected with BTD-related conditions. This variant is not present in population databases (gnomAD no frequency). This sequence change creates a premature translational stop signal (p.Gln136*) in the BTD gene. While this is not anticipated to result in nonsense mediated decay, it is expected to disrupt the last 408 amino acid(s) of the BTD protein.

Literature cited by the submitters: PubMed 25174816; PubMed 25967232; PubMed 28498829.

NM_001370658.1(BTD):c.346C>T (p.Gln116Ter)

Gene: BTD (biotinidase; plus strand). Cytogenetic location: 3p25.1.
Variant type: single nucleotide variant.
Coding change: c.346C>T on transcript NM_001370658.1 (MANE Select); coding-DNA position 346, C replaced by T.
Protein change: p.Gln116Ter; replaces glutamine 116 with a stop codon.
Molecular consequence: nonsense.
Genome position (GRCh38, 1-based): chr3:15,642,004, C>T. VCF-style: chr3-15642004-C-T. GRCh37 (hg19) VCF-style: chr3-15683511-C-T.
Other names: c.346C>T, p.Gln116Ter (NM_001407364.1, NM_001407365.1, NM_001407366.1 and 36 more transcripts); c.406C>T, p.Gln136Ter (NM_000060.4); c.409C>T, p.Gln137Ter (NM_001407381.1); short protein forms Q136*, Q116*, Q137*.
Identifiers: ClinVar variation 1903563 (VCV001903563.5), dbSNP rs2471489744, ClinGen allele CA351605583.